The following is an entry in ClinVar:

NM_004415.4(DSP):c.6572G>A (p.Arg2191Lys)

Gene: DSP (desmoplakin; plus strand). Cytogenetic location: 6p24.3.
Variant type: single nucleotide variant.
Coding change: c.6572G>A on transcript NM_004415.4 (MANE Select); coding-DNA position 6572, G replaced by A.
Protein change: p.Arg2191Lys; replaces arginine 2191 with lysine.
Molecular consequence: missense variant.
Genome position (GRCh38, 1-based): chr6:7,583,834, G>A. VCF-style: chr6-7583834-G-A. GRCh37 (hg19) VCF-style: chr6-7584067-G-A.
Other names: c.4775G>A, p.Arg1592Lys (NM_001008844.3); c.5243G>A, p.Arg1748Lys (NM_001319034.2); short protein forms R1748K, R2191K, R1592K.
Identifiers: ClinVar variation 926158 (VCV000926158.11), dbSNP rs527888978, ClinGen allele CA048017.

ClinVar aggregate classification (germline): Conflicting classifications of pathogenicity. Review status: criteria provided, conflicting classifications (1 of 4 stars). 4 submissions from 4 submitters: Uncertain significance (3); Likely benign (1). Last evaluated 2025-02-05.

Conditions:
Cardiovascular phenotype. Identifiers: MedGen CN230736.
Cardiomyopathy (CMYO). Also called: Cardiomyopathies. Identifiers: Orphanet 167848, MedGen C0878544, MONDO:0004994, HP:0001638. Inheritance: Various modes of inheritance.
Arrhythmogenic right ventricular dysplasia 8 (ARVD8). Also called: Arrhythmogenic Right Ventricular Dysplasia/Cardiomyopathy 8; ARRHYTHMOGENIC RIGHT VENTRICULAR DYSPLASIA, FAMILIAL, 8; ARRHYTHMOGENIC RIGHT VENTRICULAR CARDIOMYOPATHY 8. Identifiers: MedGen C1843896, MONDO:0011831, OMIM 607450.
Arrhythmogenic cardiomyopathy with wooly hair and keratoderma. Also called: PALMOPLANTAR KERATODERMA WITH LEFT VENTRICULAR CARDIOMYOPATHY AND WOOLLY HAIR; Carvajal syndrome; Dilated cardiomyopathy with woolly hair and keratoderma; Arrhythmogenic cardiomyopathy with woolly hair and keratoderma. Identifiers: Orphanet 65282, MedGen C1854063, MONDO:0011581, OMIM 605676.

Allele frequency attached by ClinVar (database versions not stated): gnomAD exomes below 0.00001; ExAC 0.00001; gnomAD 0.00001; 1000 Genomes Project 30x 0.00016; 1000 Genomes Project 0.00020.
gnomAD v4.1: 2 of 1,614,152 alleles (0.00012%); highest among the groups gnomAD compares: South Asian, 0.0022%; no homozygotes.

Submissions (4):

Labcorp Genetics (formerly Invitae), Labcorp
Classification: Likely benign for Arrhythmogenic cardiomyopathy with wooly hair and keratoderma; Arrhythmogenic right ventricular dysplasia 8. Last evaluated: 2025-02-05. Review status: criteria provided, single submitter. Criteria: Invitae Variant Classification Sherloc (09022015). Collection method: clinical testing. Allele origin: germline.

All of Us Research Program, National Institutes of Health
Classification: Uncertain significance for Arrhythmogenic cardiomyopathy with wooly hair and keratoderma. Last evaluated: 2024-05-14. Review status: criteria provided, single submitter. Criteria: ACMG Guidelines, 2015. Collection method: clinical testing. Allele origin: germline. Inheritance: Autosomal dominant inheritance. Observed: 1 variant allele, 1 heterozygote.
Comment: This missense variant replaces arginine with lysine at codon 2191 of the DSP protein. Computational prediction suggests that this variant may not impact protein structure and function (internally defined REVEL score threshold <= 0.5, PMID: 27666373). Splice site prediction tools suggest that this variant may not impact RNA splicing. To our knowledge, functional studies have not been performed for this variant. This variant has not been reported in individuals affected with cardiovascular disorders in the literature. This variant has been identified in 1/251486 chromosomes in the general population by the Genome Aggregation Database (gnomAD). The available evidence is insufficient to determine the role of this variant in disease conclusively. Therefore, this variant is classified as a Variant of Uncertain Significance.

This study involves interpretation of variants in research participants for the purpose of population health screening. Participant phenotype was not available at the time of variant classification. Additional details can be found in publication PMID: 35346344, PMCID: PMC8962531

Color Diagnostics, LLC DBA Color Health
Classification: Uncertain significance for Cardiomyopathy. Last evaluated: 2024-03-06. Review status: criteria provided, single submitter. Criteria: ACMG Guidelines, 2015. Collection method: clinical testing. Allele origin: germline.
Comment: This missense variant replaces arginine with lysine at codon 2191 of the DSP protein. Computational prediction suggests that this variant may not impact protein structure and function (internally defined REVEL score threshold <= 0.5, PMID: 27666373). Splice site prediction tools suggest that this variant may not impact RNA splicing. To our knowledge, functional studies have not been performed for this variant. This variant has not been reported in individuals affected with cardiovascular disorders in the literature. This variant has been identified in 1/251486 chromosomes in the general population by the Genome Aggregation Database (gnomAD). The available evidence is insufficient to determine the role of this variant in disease conclusively. Therefore, this variant is classified as a Variant of Uncertain Significance.

Ambry Genetics
Classification: Uncertain significance for Cardiovascular phenotype. Last evaluated: 2022-01-26. Review status: criteria provided, single submitter. Criteria: Ambry Variant Classification Scheme 2023. Collection method: clinical testing. Allele origin: germline.